The following is an entry in ClinVar:

ClinVar aggregate classification (germline): Uncertain significance. Review status: criteria provided, multiple submitters, no conflicts (2 of 4 stars). 6 submissions from 6 submitters: Uncertain significance (5). 1 of the submissions does not count toward it. Last evaluated 2023-10-16.

Conditions:
Inborn genetic diseases. Identifiers: MedGen C0950123, MeSH D030342.
Glycogen storage disease type III (GSD3). Also called: FORBES DISEASE; Cori disease. Identifiers: Orphanet 366, MedGen C0017922, MONDO:0009291, OMIM 232400.

Allele frequency attached by ClinVar (database versions not stated): gnomAD exomes 0.00002 and 0.00003; ExAC 0.00003; TOPMed 0.00005; gnomAD 0.00007 and 0.00008; ESP Exome Variant Server 0.00008.
gnomAD v4.1: 43 of 1,608,136 alleles (0.0027%); highest among the groups gnomAD compares: African/African-American, 0.012%; no homozygotes.

Submissions (6):

GeneDx
Classification: Uncertain significance. Last evaluated: 2023-10-16. Review status: criteria provided, single submitter. Criteria: GeneDx Variant Classification Process June 2021. Collection method: clinical testing. Allele origin: germline. Affected: yes.
Comment: In silico analysis supports that this missense variant does not alter protein structure/function; Has not been previously published as pathogenic or benign to our knowledge

Labcorp Genetics (formerly Invitae), Labcorp
Classification: Uncertain significance for Glycogen storage disease type III. Last evaluated: 2022-08-31. Review status: criteria provided, single submitter. Criteria: Invitae Variant Classification Sherloc (09022015). Collection method: clinical testing. Allele origin: germline.
Comment: This sequence change replaces glutamic acid, which is acidic and polar, with lysine, which is basic and polar, at codon 1233 of the AGL protein (p.Glu1233Lys). This variant is present in population databases (rs375254875, gnomAD 0.02%). This variant has not been reported in the literature in individuals affected with AGL-related conditions. ClinVar contains an entry for this variant (Variation ID: 456495). Algorithms developed to predict the effect of missense changes on protein structure and function (SIFT, PolyPhen-2, Align-GVGD) all suggest that this variant is likely to be tolerated. In summary, the available evidence is currently insufficient to determine the role of this variant in disease. Therefore, it has been classified as a Variant of Uncertain Significance.

Ambry Genetics
Classification: Uncertain significance for Inborn genetic diseases. Last evaluated: 2022-05-27. Review status: criteria provided, single submitter. Criteria: Ambry Variant Classification Scheme 2023. Collection method: clinical testing. Allele origin: germline.

Genome-Nilou Lab
Classification: Uncertain significance for Glycogen storage disease type III. Last evaluated: 2021-07-15. Review status: criteria provided, single submitter. Criteria: ACMG Guidelines, 2015. Collection method: clinical testing. Allele origin: germline. Affected: no.

Fulgent Genetics
Classification: Uncertain significance for Glycogen storage disease type III. Last evaluated: 2018-10-31. Review status: criteria provided, single submitter. Criteria: ACMG Guidelines, 2015. Collection method: clinical testing. Allele origin: unknown.

Natera, Inc.
Classification: Uncertain significance for Glycogen storage disease type III. Last evaluated: 2020-07-05. Review status: no assertion criteria provided. Collection method: clinical testing. Allele origin: germline. Not counted in ClinVar's aggregate classification.

NM_000642.3(AGL):c.3697G>A (p.Glu1233Lys)

Gene: AGL (amylo-alpha-1,6-glucosidase and 4-alpha-glucanotransferase; plus strand). Cytogenetic location: 1p21.2.
Variant type: single nucleotide variant.
Coding change: c.3697G>A on transcript NM_000642.3 (MANE Select); coding-DNA position 3697, G replaced by A.
Protein change: p.Glu1233Lys; replaces glutamic acid 1233 with lysine.
Molecular consequence: missense variant.
Genome position (GRCh38, 1-based): chr1:99,902,791, G>A. VCF-style: chr1-99902791-G-A. GRCh37 (hg19) VCF-style: chr1-100368347-G-A.
Other names: c.3697G>A, p.Glu1233Lys (NM_000028.3, NM_000643.3, NM_000644.3 and 1 more transcripts); c.3649G>A, p.Glu1217Lys (NM_000646.3); c.3676G>A, p.Glu1226Lys (NM_001425326.1); c.3496G>A, p.Glu1166Lys (NM_001425327.1); c.3493G>A, p.Glu1165Lys (NM_001425328.1); c.3358G>A, p.Glu1120Lys (NM_001425329.1); c.3319G>A, p.Glu1107Lys (NM_001425332.1); short protein forms E1233K, E1217K, E1107K, E1120K, E1165K, E1166K, E1226K.
Identifiers: ClinVar variation 456495 (VCV000456495.14), dbSNP rs375254875, ClinGen allele CA967177.